The following is an entry in ClinVar:

ClinVar aggregate classification (germline): Uncertain significance (1 of 4 stars; one submission).

Conditions:
Epilepsy, familial focal, with variable foci 3 (FFEVF3). Identifiers: MedGen C4310708, MONDO:0014925, OMIM 617118.

Submission:

Labcorp Genetics (formerly Invitae), Labcorp
Classification: Uncertain significance for Epilepsy, familial focal, with variable foci 3. Last evaluated: 2024-04-24. Review status: criteria provided, single submitter. Criteria: Invitae Variant Classification Sherloc (09022015). Collection method: clinical testing. Allele origin: germline.
Comment: This variant, c.1305_1307del, results in the deletion of 1 amino acid(s) of the NPRL3 protein (p.Gly436del), but otherwise preserves the integrity of the reading frame. This variant is not present in population databases (gnomAD no frequency). This variant has not been reported in the literature in individuals affected with NPRL3-related conditions. Experimental studies and prediction algorithms are not available or were not evaluated, and the functional significance of this variant is currently unknown. Algorithms developed to predict the effect of sequence changes on RNA splicing suggest that this variant may create or strengthen a splice site. In summary, the available evidence is currently insufficient to determine the role of this variant in disease. Therefore, it has been classified as a Variant of Uncertain Significance.

NM_001077350.3(NPRL3):c.1302CGG[1] (p.Gly436del)

Genes: HBA-LCR (alpha-globin locus control region; plus strand), NPRL3 (NPR3 like, GATOR1 complex subunit; minus strand). Cytogenetic location: 16p13.3.
Variant type: Microsatellite.
Coding change: c.1302CGG[1] on transcript NM_001077350.3 (MANE Select); one copy of the 3-base unit CGG starting at c.1302; the reference has two copies in a row; one copy, 3 bases deleted.
Protein change: p.Gly436del; deletes glycine 436.
Genome position (GRCh38, 1-based): chr16:89,757-89,759, CCG deleted on the plus strand (CGG on the coding strand, the reverse complement: NPRL3 is on the minus strand); deleting any 3 consecutive bases within chr16:89,757-89,762 gives the same sequence; the position shown is the placement nearest the transcript's 3' end. VCF-style (leftmost placement, unchanged base first): chr16-89756-ACCG-A. GRCh37 (hg19) VCF-style: chr16-139754-ACCG-A.
Other names: c.765CGG[1], p.Gly257del (NM_001039476.3); c.1068CGG[1], p.Gly358del (NM_001243247.2); c.1227CGG[1], p.Gly411del (NM_001243248.2, NM_001243249.2); short protein forms G257del, G358del, G411del, G436del.
Identifiers: ClinVar variation 3650656 (VCV003650656.2).